The following is an entry in ClinVar:

NM_000222.3(KIT):c.303C>T (p.His101=)

Gene: KIT (KIT proto-oncogene, receptor tyrosine kinase; plus strand). Cytogenetic location: 4q12.
Variant type: single nucleotide variant.
Coding change: c.303C>T on transcript NM_000222.3 (MANE Select); coding-DNA position 303, C replaced by T.
Protein change: p.His101=; no amino-acid change (histidine 101 retained).
Molecular consequence: synonymous variant.
Genome position (GRCh38, 1-based): chr4:54,695,747, C>T. VCF-style: chr4-54695747-C-T. GRCh37 (hg19) VCF-style: chr4-55561913-C-T.
Other names: c.303C>T, p.His101= (NM_001093772.2, NM_001385284.1, NM_001385285.1 and 4 more transcripts).
Identifiers: ClinVar variation 528638 (VCV000528638.16), dbSNP rs145333060, ClinGen allele CA2923200.

ClinVar aggregate classification (germline): Benign/Likely benign. Review status: criteria provided, multiple submitters, no conflicts (2 of 4 stars). 4 submissions from 4 submitters: Benign (1); Likely benign (3). Last evaluated 2026-06-03.

Conditions:
Gastrointestinal stromal tumor. Also called: Gastrointestinal stromal tumor, somatic; Gastrointestinal stroma tumor. Identifiers: Orphanet 44890, MedGen C0238198, MeSH D046152, MONDO:0011719, OMIM 606764, HP:0100723.
Hereditary cancer-predisposing syndrome. Also called: Hereditary neoplastic syndrome; Tumor predisposition; Neoplastic Syndromes, Hereditary; Hereditary Cancer Syndrome. Identifiers: Orphanet 140162, MedGen C0027672, MeSH D009386, MONDO:0015356.

Allele frequency attached by ClinVar (database versions not stated): ExAC 0.00002; gnomAD exomes 0.00002; TOPMed 0.00003; gnomAD 0.00004; ESP Exome Variant Server 0.00008.
gnomAD v4.1: 20 of 1,614,096 alleles (0.0012%); highest among the groups gnomAD compares: Middle Eastern, 0.016%; no homozygotes.

Submissions (4):

Myriad Genetics, Inc.
Classification: Benign for Gastrointestinal stromal tumor. Last evaluated: 2026-06-03. Review status: criteria provided, single submitter. Criteria: Myriad Autosomal Dominant, Autosomal Recessive and X-Linked Classification Criteria (2023). Collection method: clinical testing. Allele origin: unknown.
Comment: This variant is considered benign. This variant is a silent/synonymous amino acid change and it is not expected to impact splicing.

Labcorp Genetics (formerly Invitae), Labcorp
Classification: Likely benign for Gastrointestinal stromal tumor. Last evaluated: 2026-01-20. Review status: criteria provided, single submitter. Criteria: Invitae Variant Classification Sherloc (09022015). Collection method: clinical testing. Allele origin: germline.

Blueprint Genetics
Classification: Likely benign. Last evaluated: 2021-05-11. Review status: criteria provided, single submitter. Criteria: ACMG Guidelines, 2015. Collection method: clinical testing. Allele origin: germline.

Ambry Genetics
Classification: Likely benign for Hereditary cancer-predisposing syndrome. Last evaluated: 2020-01-06. Review status: criteria provided, single submitter. Criteria: Ambry Variant Classification Scheme 2023. Collection method: clinical testing. Allele origin: germline.